The following is an entry in ClinVar:

ClinVar aggregate classification (germline): Pathogenic (1 of 4 stars; one submission).

Conditions:
Senior-Loken syndrome 7 (SLSN7). Identifiers: Orphanet 3156, MedGen C3150877, MONDO:0013326, OMIM 613615.
Bardet-Biedl syndrome 16 (BBS16). Identifiers: Orphanet 110, MedGen C3889474, MONDO:0014444, OMIM 615993.

Submission:

Labcorp Genetics (formerly Invitae), Labcorp
Classification: Pathogenic for Bardet-Biedl syndrome 16; Senior-Loken syndrome 7. Last evaluated: 2021-03-25. Review status: criteria provided, single submitter. Criteria: Invitae Variant Classification Sherloc (09022015). Collection method: clinical testing. Allele origin: germline.
Comment: For these reasons, this variant has been classified as Pathogenic. This variant has not been reported in the literature in individuals with SDCCAG8-related conditions. This variant is a gross deletion of the genomic region encompassing exon(s) 1-6 of the SDCCAG8 gene, which includes the initiator codon. The 5' end of this event is unknown as it extends beyond the assayed region for this gene and therefore may encompass additional genes. The 3' boundary is likely confined to intron 6 of the SDCCAG8 gene. It is expected to result in an absent or disrupted protein product. Loss-of-function variants in SDCCAG8 are known to be pathogenic (PMID: 20835237, 22190896).

Literature cited by the submitters: PubMed 20835237; PubMed 22190896.

NC_000001.10:g.(?_243303219)_(243456541_?)del

Genes: SDCCAG8 (SHH signaling and ciliogenesis regulator SDCCAG8; plus strand), CEP170 (centrosomal protein 170; minus strand). Cytogenetic location: 1q43.
Variant type: Deletion.
Identifiers: ClinVar variation 1456221 (VCV001456221.5).